The following is an entry in ClinVar:

NM_001429.4(EP300):c.4628G>A (p.Gly1543Glu)

Gene: EP300 (EP300 lysine acetyltransferase; plus strand). Cytogenetic location: 22q13.2.
Variant type: single nucleotide variant.
Coding change: c.4628G>A on transcript NM_001429.4 (MANE Select); coding-DNA position 4628, G replaced by A.
Protein change: p.Gly1543Glu; replaces glycine 1543 with glutamic acid.
Molecular consequence: missense variant.
Genome position (GRCh38, 1-based): chr22:41,173,633, G>A. VCF-style: chr22-41173633-G-A. GRCh37 (hg19) VCF-style: chr22-41569637-G-A.
Other names: c.4550G>A, p.Gly1517Glu (NM_001362843.2); short protein forms G1517E, G1543E.
Identifiers: ClinVar variation 5036014 (VCV005036014.1).

ClinVar aggregate classification (germline): Uncertain significance (1 of 4 stars; one submission).

Conditions:
Inborn genetic diseases. Identifiers: MedGen C0950123, MeSH D030342.

gnomAD v4.1: 2 of 1,614,096 alleles (0.00012%); highest among the groups gnomAD compares: Non-Finnish European, 0.00017%; no homozygotes.

Submission:

Ambry Genetics
Classification: Uncertain significance for Inborn genetic diseases. Last evaluated: 2026-07-17. Review status: criteria provided, single submitter. Criteria: Ambry Variant Classification Scheme 2023. Collection method: clinical testing. Allele origin: germline.
Comment: The c.4628G>A (p.G1543E) alteration is located in exon 29 (coding exon 29) of the EP300 gene. This alteration results from a G to A substitution at nucleotide position 4628, causing the glycine (G) at amino acid position 1543 to be replaced by a glutamic acid (E). Based on data from gnomAD, the A allele has an overall frequency of 0.003% (1/31390) total alleles studied. The highest observed frequency was 0.007% (1/15428) of European (non-Finnish) alleles. Based on insufficient or conflicting evidence, the clinical significance of this alteration remains unclear.